The following is an entry in ClinVar:

NM_000059.4(BRCA2):c.433G>A (p.Val145Ile)

Gene: BRCA2 (BRCA2 DNA repair associated; plus strand). Cytogenetic location: 13q13.1.
Variant type: single nucleotide variant.
Coding change: c.433G>A on transcript NM_000059.4 (MANE Select); coding-DNA position 433, G replaced by A.
Protein change: p.Val145Ile; replaces valine 145 with isoleucine.
Molecular consequence: missense variant.
Genome position (GRCh38, 1-based): chr13:32,326,108, G>A. VCF-style: chr13-32326108-G-A. GRCh37 (hg19) VCF-style: chr13-32900245-G-A.
Other names: short protein forms V145I.
Identifiers: ClinVar variation 658839 (VCV000658839.10), dbSNP rs1593886774, ClinGen allele CA387757001.

ClinVar aggregate classification (germline): Uncertain significance. Review status: criteria provided, multiple submitters, no conflicts (2 of 4 stars). 2 submissions from 2 submitters: Uncertain significance (2). Last evaluated 2023-07-10.

Conditions:
Hereditary breast ovarian cancer syndrome. Also called: BRCA1- and BRCA2-Associated Hereditary Breast and Ovarian Cancer; Hereditary breast and ovarian cancer syndrome; Hereditary breast and ovarian cancer syndrome (HBOC); Hereditary breast and/or ovarian cancer syndrome; Breast and ovarian cancer; Hereditary breast and ovarian cancer. Identifiers: Orphanet 145, MedGen C0677776, MeSH D061325, MONDO:0003582. Disease mechanism: loss of function.

Submissions (2):

Labcorp Genetics (formerly Invitae), Labcorp
Classification: Uncertain significance for Hereditary breast ovarian cancer syndrome. Last evaluated: 2023-07-10. Review status: criteria provided, single submitter. Criteria: Invitae Variant Classification Sherloc (09022015). Collection method: clinical testing. Allele origin: germline.
Comment: In summary, the available evidence is currently insufficient to determine the role of this variant in disease. Therefore, it has been classified as a Variant of Uncertain Significance. Advanced modeling of protein sequence and biophysical properties (such as structural, functional, and spatial information, amino acid conservation, physicochemical variation, residue mobility, and thermodynamic stability) performed at Invitae indicates that this missense variant is not expected to disrupt BRCA2 protein function. ClinVar contains an entry for this variant (Variation ID: 658839). This variant has not been reported in the literature in individuals affected with BRCA2-related conditions. This variant is not present in population databases (gnomAD no frequency). This sequence change replaces valine, which is neutral and non-polar, with isoleucine, which is neutral and non-polar, at codon 145 of the BRCA2 protein (p.Val145Ile).

GeneDx
Classification: Uncertain significance. Last evaluated: 2019-10-14. Review status: criteria provided, single submitter. Criteria: GeneDx Variant Classification Process June 2021. Collection method: clinical testing. Allele origin: germline. Affected: yes.
Comment: Not observed in large population cohorts (Lek et al., 2016); In silico analysis, which includes protein predictors and evolutionary conservation, supports that this variant does not alter protein structure/function; Has not been previously published as pathogenic or benign to our knowledge